The following is an entry in ClinVar:

ClinVar aggregate classification (germline): Uncertain significance (1 of 4 stars; one submission).

Conditions:
3-Methylglutaconic aciduria type 2 (BTHS). Also called: CARDIOSKELETAL MYOPATHY WITH NEUTROPENIA AND ABNORMAL MITOCHONDRIA; Barth syndrome. Identifiers: Orphanet 111, MedGen C0574083, MONDO:0010543, OMIM 302060.

Submission:

Labcorp Genetics (formerly Invitae), Labcorp
Classification: Uncertain significance for 3-Methylglutaconic aciduria type 2. Last evaluated: 2023-03-08. Review status: criteria provided, single submitter. Criteria: Invitae Variant Classification Sherloc (09022015). Collection method: clinical testing. Allele origin: germline.
Comment: An algorithm developed to predict the effect of missense changes on protein structure and function (PolyPhen-2) suggests that this variant is likely to be tolerated. In summary, the available evidence is currently insufficient to determine the role of this variant in disease. Therefore, it has been classified as a Variant of Uncertain Significance. This missense change has been observed in individual(s) with unexplained mitochondrial dysfunction (PMID: 30831263). This variant is not present in population databases (gnomAD no frequency). This sequence change replaces threonine, which is neutral and polar, with isoleucine, which is neutral and non-polar, at codon 18 of the TAZ protein (p.Thr18Ile).

Literature cited by the submitters: PubMed 30831263.

NM_000116.5(TAFAZZIN):c.53C>T (p.Thr18Ile)

Genes: DNASE1L1 (deoxyribonuclease 1 like 1; minus strand), TAFAZZIN (tafazzin, phospholipid-lysophospholipid transacylase; plus strand), LOC130068869 (ATAC-STARR-seq lymphoblastoid silent region 21101; plus strand). Cytogenetic location: Xq28.
Variant type: single nucleotide variant.
Coding change: c.53C>T on transcript NM_000116.5 (MANE Select); coding-DNA position 53, C replaced by T.
Protein change: p.Thr18Ile; replaces threonine 18 with isoleucine.
Molecular consequence: missense variant. On other transcripts: 5 prime UTR variant (3), non-coding transcript variant (1).
Genome position (GRCh38, 1-based): chrX:154,411,896, C>T. VCF-style: chrX-154411896-C-T. GRCh37 (hg19) VCF-style: chrX-153640233-C-T.
Other names: c.-436G>A (NM_001009932.3); c.-178G>A (NM_001009933.3); c.-93G>A (NM_001009934.3); c.53C>T, p.Thr18Ile (NM_001303465.2, NM_001410698.1, NM_001440856.1 and 5 more transcripts); short protein forms T18I.
Identifiers: ClinVar variation 2726425 (VCV002726425.3), dbSNP rs2522919623, ClinGen allele CA415178225.
Genomic context (GRCh38, chrX:154,411,896, plus strand): 5'-GGGTGGGGATGCCTCTGCACGTGAAGTGGCCGTTCCCCGCGGTGCCGCCGCTCACCTGGA[C>T]CCTGGCCAGCAGCGTCGTCATGGGCTTGGTGGGCACCTACAGCTGCTTCTGGACCAGTGA-3'
Protein context (NP_000107.1, residues 8-28): PFPAVPPLTW[Thr18Ile]LASSVVMGLV